The following is an entry in ClinVar:

NC_000022.11:g.40346004G>A

Gene: ADSL (adenylosuccinate lyase; plus strand). Cytogenetic location: 22q13.1.
Variant type: single nucleotide variant.
Genome position: GRCh38 VCF-style: chr22-40346004-G-A. GRCh37 (hg19) VCF-style: chr22-40742008-G-A.
Identifiers: ClinVar variation 1425822 (VCV001425822.5), dbSNP rs1010283787, ClinGen allele CA324446480.

ClinVar aggregate classification (germline): Uncertain significance (1 of 4 stars; one submission).

Conditions:
Adenylosuccinate lyase deficiency (ADSLD). Also called: ADSL DEFICIENCY. Identifiers: Orphanet 46, MedGen C0268126, MONDO:0007068, OMIM 103050.

Allele frequency attached by ClinVar (database versions not stated): gnomAD 0.00001; TOPMed 0.00002.

Submission:

Labcorp Genetics (formerly Invitae), Labcorp
Classification: Uncertain significance for Adenylosuccinate lyase deficiency. Last evaluated: 2023-10-13. Review status: criteria provided, single submitter. Criteria: Invitae Variant Classification Sherloc (09022015). Collection method: clinical testing. Allele origin: germline.
Comment: This variant occurs in a non-coding region of the ADSL gene. It does not change the encoded amino acid sequence of the ADSL protein. This variant is not present in population databases (gnomAD no frequency). This variant has not been reported in the literature in individuals affected with ADSL-related conditions. Experimental studies and prediction algorithms are not available or were not evaluated, and the functional significance of this variant is currently unknown. In summary, the available evidence is currently insufficient to determine the role of this variant in disease. Therefore, it has been classified as a Variant of Uncertain Significance.